The following is an entry in ClinVar:

ClinVar aggregate classification (germline): Likely benign (1 of 4 stars; one submission).

Allele frequency attached by ClinVar (database versions not stated): gnomAD exomes 0.00001.
gnomAD v4.1: 5 of 1,613,026 alleles (0.00031%); highest among the groups gnomAD compares: Non-Finnish European, 0.00042%; no homozygotes.

Submission:

CeGaT Center for Human Genetics Tuebingen
Classification: Likely benign. Last evaluated: 2023-11-01. Review status: criteria provided, single submitter. Criteria: CeGaT Center For Human Genetics Tuebingen Variant Classification Criteria Version 2. Collection method: clinical testing. Allele origin: germline. Affected: yes. Observed: 1 variant allele.
Comment: NBEA: PM2:Supporting, BP4, BP7

NM_001385012.1(NBEA):c.7176T>A (p.Ile2392=)

Gene: NBEA (neurobeachin; plus strand). Cytogenetic location: 13q13.3.
Variant type: single nucleotide variant.
Coding change: c.7176T>A on transcript NM_001385012.1 (MANE Select); coding-DNA position 7176, T replaced by A.
Protein change: p.Ile2392=; no amino-acid change (isoleucine 2392 retained).
Molecular consequence: synonymous variant.
Genome position (GRCh38, 1-based): chr13:35,584,038, T>A. VCF-style: chr13-35584038-T-A. GRCh37 (hg19) VCF-style: chr13-36158175-T-A.
Other names: c.555T>A, p.Ile185= (NM_001204197.3); c.7167T>A, p.Ile2389= (NM_001379245.1); c.7176T>A, p.Ile2392= (NM_015678.5).
Identifiers: ClinVar variation 2672543 (VCV002672543.23), dbSNP rs2549804118, ClinGen allele CA483209482.